The following is an entry in ClinVar:

NM_203475.3(PORCN):c.683G>T (p.Arg228Leu)

Gene: PORCN (porcupine O-acyltransferase; plus strand). Cytogenetic location: Xp11.23.
Variant type: single nucleotide variant.
Coding change: c.683G>T on transcript NM_203475.3 (MANE Select); coding-DNA position 683, G replaced by T.
Protein change: p.Arg228Leu; replaces arginine 228 with leucine.
Molecular consequence: missense variant.
Genome position (GRCh38, 1-based): chrX:48,512,716, G>T. VCF-style: chrX-48512716-G-T. GRCh37 (hg19) VCF-style: chrX-48371104-G-T.
Other names: c.683G>T, p.Arg228Leu (NM_203474.1, NM_022825.4, NM_203473.3); c.470G>T, p.Arg157Leu (NM_001282167.2); short protein forms R157L, R228L.
Identifiers: ClinVar variation 3355066 (VCV003355066.1).
Genomic context (GRCh38, chrX:48,512,716, plus strand): 5'-CTTGCGTGGGCCCCTACCTCTTCCCGTACTTCATCCCCCTCAACGGTGACCGCCTCCTTC[G>T]CAAGTGAGCACAGCCTTCGAGGCCCCTGCCCAGCAATGAGGGGGTTGGGTAGGGACCCGC-3'
Protein context (NP_982301.1, residues 218-238): FIPLNGDRLL[Arg228Leu]NKKRKARGTM

ClinVar aggregate classification (germline): Uncertain significance (0 of 4 stars; one submission).

Conditions:
PORCN-related disorder. Also called: PORCN-related condition.

gnomAD v4.1: 3 of 1,212,149 alleles (0.00025%); highest among the groups gnomAD compares: Non-Finnish European, 0.00033%; no homozygotes.

Submission:

PreventionGenetics, part of Exact Sciences
Classification: Uncertain significance for PORCN-related condition. Last evaluated: 2024-03-11. Review status: no assertion criteria provided. Collection method: clinical testing. Allele origin: germline.
Comment: The PORCN c.683G>T variant is predicted to result in the amino acid substitution p.Arg228Leu. To our knowledge, this variant has not been reported in the literature or in a large population database, indicating this variant is rare. At this time, the clinical significance of this variant is uncertain due to the absence of conclusive functional and genetic evidence.